The following is an entry in ClinVar:

ClinVar aggregate classification (germline): Uncertain significance (1 of 4 stars; one submission).

Submission:

Labcorp Genetics (formerly Invitae), Labcorp
Classification: Uncertain significance. Last evaluated: 2022-10-13. Review status: criteria provided, single submitter. Criteria: Invitae Variant Classification Sherloc (09022015). Collection method: clinical testing. Allele origin: germline.
Comment: This sequence change replaces glycine, which is neutral and non-polar, with arginine, which is basic and polar, at codon 236 of the CD46 protein (p.Gly236Arg). This variant is not present in population databases (gnomAD no frequency). This variant has not been reported in the literature in individuals affected with CD46-related conditions. Advanced modeling of protein sequence and biophysical properties (such as structural, functional, and spatial information, amino acid conservation, physicochemical variation, residue mobility, and thermodynamic stability) performed at Invitae indicates that this missense variant is expected to disrupt CD46 protein function. Algorithms developed to predict the effect of sequence changes on RNA splicing suggest that this variant may disrupt the consensus splice site. In summary, the available evidence is currently insufficient to determine the role of this variant in disease. Therefore, it has been classified as a Variant of Uncertain Significance.

NM_172351.3(CD46):c.706G>A (p.Gly236Arg)

Gene: CD46 (CD46 molecule; plus strand). Cytogenetic location: 1q32.2.
Variant type: single nucleotide variant.
Coding change: c.706G>A on transcript NM_172351.3 (MANE Select); coding-DNA position 706, G replaced by A.
Protein change: p.Gly236Arg; replaces glycine 236 with arginine.
Molecular consequence: missense variant.
Genome position (GRCh38, 1-based): chr1:207,767,045, G>A. VCF-style: chr1-207767045-G-A. GRCh37 (hg19) VCF-style: chr1-207940390-G-A.
Other names: c.706G>A, p.Gly236Arg (NM_002389.4, NM_153826.4, NM_172350.3 and 8 more transcripts); short protein forms G236R.
Identifiers: ClinVar variation 1721569 (VCV001721569.5), dbSNP rs2526528350, ClinGen allele CA344550803.